The following is an entry in ClinVar:

ClinVar aggregate classification (germline): Uncertain significance (1 of 4 stars; one submission).

Conditions:
Autosomal dominant nonsyndromic hearing loss 1. Also called: KONIGSMARK SYNDROME; DEAFNESS, AUTOSOMAL DOMINANT 1, WITH OR WITHOUT THROMBOCYTOPENIA. Identifiers: Orphanet 90635, MedGen C1852282, MONDO:0007424, OMIM 124900.
Progressive microcephaly-seizures-cortical blindness-developmental delay syndrome. Also called: Seizures, cortical blindness, and microcephaly syndrome. Identifiers: Orphanet 477814, MedGen C5567650, MONDO:0014714, OMIM 616632.

Submission:

Labcorp Genetics (formerly Invitae), Labcorp
Classification: Uncertain significance for Progressive microcephaly-seizures-cortical blindness-developmental delay syndrome; Autosomal dominant nonsyndromic hearing loss 1. Last evaluated: 2022-02-22. Review status: criteria provided, single submitter. Criteria: Invitae Variant Classification Sherloc (09022015). Collection method: clinical testing. Allele origin: germline.
Comment: In summary, the available evidence is currently insufficient to determine the role of this variant in disease. Therefore, it has been classified as a Variant of Uncertain Significance. This sequence change replaces proline, which is neutral and non-polar, with arginine, which is basic and polar, at codon 769 of the DIAPH1 protein (p.Pro769Arg). This variant is not present in population databases (gnomAD no frequency). This variant has not been reported in the literature in individuals affected with DIAPH1-related conditions. Algorithms developed to predict the effect of missense changes on protein structure and function are either unavailable or do not agree on the potential impact of this missense change (SIFT: "Deleterious"; PolyPhen-2: "Probably Damaging"; Align-GVGD: "Class C0").

NM_005219.5(DIAPH1):c.2306C>G (p.Pro769Arg)

Gene: DIAPH1 (diaphanous related formin 1; minus strand). Cytogenetic location: 5q31.3.
Variant type: single nucleotide variant.
Coding change: c.2306C>G on transcript NM_005219.5 (MANE Select); coding-DNA position 2306, C replaced by G.
Protein change: p.Pro769Arg; replaces proline 769 with arginine.
Molecular consequence: missense variant.
Genome position (GRCh38, 1-based): chr5:141,573,544, G>C on the plus strand (C>G on the coding strand, the complement: DIAPH1 is on the minus strand). VCF-style: chr5-141573544-G-C. GRCh37 (hg19) VCF-style: chr5-140953111-G-C.
Other names: c.2279C>G, p.Pro760Arg (NM_001079812.3); c.2306C>G, p.Pro769Arg (NM_001314007.2); short protein forms P769R, P760R.
Identifiers: ClinVar variation 2101450 (VCV002101450.4), dbSNP rs2513738240, ClinGen allele CA361514860.